The following is an entry in ClinVar:

NM_000179.3(MSH6):c.395A>G (p.Gln132Arg)

Gene: MSH6 (mutS homolog 6; plus strand). Cytogenetic location: 2p16.3.
Variant type: single nucleotide variant.
Coding change: c.395A>G on transcript NM_000179.3 (MANE Select); coding-DNA position 395, A replaced by G.
Protein change: p.Gln132Arg; replaces glutamine 132 with arginine.
Molecular consequence: missense variant. On other transcripts: 5 prime UTR variant (2), intron variant (1).
Genome position (GRCh38, 1-based): chr2:47,791,061, A>G. VCF-style: chr2-47791061-A-G. GRCh37 (hg19) VCF-style: chr2-48018200-A-G.
Other names: c.-342A>G (NM_001281493.2); c.-508A>G (NM_001281494.2); c.238-7550A>G (NM_001281492.2); short protein forms Q132R.
Identifiers: ClinVar variation 1380478 (VCV001380478.10), dbSNP rs587779298, ClinGen allele CA346737074.

ClinVar aggregate classification (germline): Uncertain significance. Review status: criteria provided, multiple submitters, no conflicts (2 of 4 stars). 4 submissions from 4 submitters: Uncertain significance (4). Last evaluated 2024-02-12.

Conditions:
Hereditary nonpolyposis colorectal neoplasms. Identifiers: MedGen C0009405, MeSH D003123.
Hereditary cancer-predisposing syndrome. Also called: Tumor predisposition; Neoplastic Syndromes, Hereditary; Hereditary Cancer Syndrome; Hereditary neoplastic syndrome. Identifiers: Orphanet 140162, MedGen C0027672, MeSH D009386, MONDO:0015356.
Endometrial carcinoma. Also called: Endometrial carcinoma, somatic. Identifiers: MedGen C0476089, MONDO:0002447, OMIM 608089, HP:0012114.

Allele frequency attached by ClinVar (database versions not stated): gnomAD exomes below 0.00001.
gnomAD v4.1: 5 of 1,614,224 alleles (0.00031%); highest among the groups gnomAD compares: Non-Finnish European, 0.00042%; no homozygotes.

Submissions (4):

Baylor Genetics
Classification: Uncertain significance for Endometrial carcinoma. Last evaluated: 2024-02-12. Review status: criteria provided, single submitter. Criteria: ACMG Guidelines, 2015. Collection method: clinical testing. Allele origin: unknown.

Labcorp Genetics (formerly Invitae), Labcorp
Classification: Uncertain significance for Hereditary nonpolyposis colorectal neoplasms. Last evaluated: 2023-11-23. Review status: criteria provided, single submitter. Criteria: Invitae Variant Classification Sherloc (09022015). Collection method: clinical testing. Allele origin: germline.
Comment: This sequence change replaces glutamine, which is neutral and polar, with arginine, which is basic and polar, at codon 132 of the MSH6 protein (p.Gln132Arg). This variant is not present in population databases (gnomAD no frequency). This variant has not been reported in the literature in individuals affected with MSH6-related conditions. ClinVar contains an entry for this variant (Variation ID: 1380478). Advanced modeling of protein sequence and biophysical properties (such as structural, functional, and spatial information, amino acid conservation, physicochemical variation, residue mobility, and thermodynamic stability) performed at Invitae indicates that this missense variant is not expected to disrupt MSH6 protein function with a negative predictive value of 95%. In summary, the available evidence is currently insufficient to determine the role of this variant in disease. Therefore, it has been classified as a Variant of Uncertain Significance.

GeneDx
Classification: Uncertain significance. Last evaluated: 2022-08-05. Review status: criteria provided, single submitter. Criteria: GeneDx Variant Classification Process June 2021. Collection method: clinical testing. Allele origin: germline. Affected: yes.
Comment: Not observed at significant frequency in large population cohorts (gnomAD); In silico analysis supports that this missense variant has a deleterious effect on protein structure/function; Has not been previously published as pathogenic or benign to our knowledge

Ambry Genetics
Classification: Uncertain significance for Hereditary cancer-predisposing syndrome. Last evaluated: 2022-07-28. Review status: criteria provided, single submitter. Criteria: Ambry Variant Classification Scheme 2023. Collection method: clinical testing. Allele origin: germline.
Comment: The p.Q132R variant (also known as c.395A>G), located in coding exon 2 of the MSH6 gene, results from an A to G substitution at nucleotide position 395. The glutamine at codon 132 is replaced by arginine, an amino acid with highly similar properties. This amino acid position is conserved. In addition, the in silico prediction for this alteration is inconclusive. Since supporting evidence is limited at this time, the clinical significance of this alteration remains unclear.